The following is an entry in ClinVar:

ClinVar aggregate classification (germline): Likely benign (1 of 4 stars; one submission).

Allele frequency attached by ClinVar (database versions not stated): gnomAD exomes 0.00022; ExAC 0.00072; gnomAD 0.00250; ESP Exome Variant Server 0.00258; TOPMed 0.00265; 1000 Genomes Project 0.00280; 1000 Genomes Project 30x 0.00328.
gnomAD v4.1: 713 of 1,613,288 alleles (0.044%); highest among the groups gnomAD compares: African/African-American, 0.88%; 5 homozygotes.

Submission:

CeGaT Center for Human Genetics Tuebingen
Classification: Likely benign. Last evaluated: 2022-04-01. Review status: criteria provided, single submitter. Criteria: CeGaT Center For Human Genetics Tuebingen Variant Classification Criteria Version 2. Collection method: clinical testing. Allele origin: germline. Affected: yes. Observed: 2 variant alleles.
Comment: MYO7B: BP4, BP7

NM_001393586.1(MYO7B):c.5736C>T (p.Tyr1912=)

Gene: MYO7B (myosin VIIB; plus strand). Cytogenetic location: 2q14.3.
Variant type: single nucleotide variant.
Coding change: c.5736C>T on transcript NM_001393586.1 (MANE Select); coding-DNA position 5736, C replaced by T.
Protein change: p.Tyr1912=; no amino-acid change (tyrosine 1912 retained).
Molecular consequence: synonymous variant.
Genome position (GRCh38, 1-based): chr2:127,635,142, C>T. VCF-style: chr2-127635142-C-T. GRCh37 (hg19) VCF-style: chr2-128392717-C-T.
Other names: c.5658C>T, p.Tyr1886= (NM_001080527.2); c.2217C>T, p.Tyr739= (NM_001393594.1).
Identifiers: ClinVar variation 2651340 (VCV002651340.24), dbSNP rs140035193, ClinGen allele CA1862405.
Genomic context (GRCh38, chr2:127,635,142, plus strand): 5'-TGGGACAGGCTTGGTGCCCACTGCTGGCCCTCGCCCAGGGGCCCCCGTGACGCTCCCCTA[C>T]CAGGTGTACTTCATGCGGAAATTGTGGCTCAACATATCTCCAGGGAAGGATGTGAATGCA-3'
Protein context (NP_001380515.1, residues 1902-1922): QKEGAPVTLP[Tyr1912=]QVYFMRKLWL